The following is an entry in ClinVar:

ClinVar aggregate classification (germline): Conflicting classifications of pathogenicity. Review status: criteria provided, conflicting classifications (1 of 4 stars). 8 submissions from 8 submitters: Uncertain significance (1); Benign (5); Likely benign (2). Last evaluated 2026-04-08.

Conditions:
Inborn genetic diseases. Identifiers: MedGen C0950123, MeSH D030342.
Spondyloepimetaphyseal dysplasia with joint laxity (SEMDJL). Identifiers: MedGen C0432243, MONDO:0019675.
Ehlers-Danlos syndrome, spondylodysplastic type, 2 (EDSSPD2). Also called: Ehlers-Danlos syndrome, progeroid type, 2. Identifiers: Orphanet 536467, Orphanet 75496, MedGen C3809210, MONDO:0014139, OMIM 615349.

Allele frequency attached by ClinVar (database versions not stated): gnomAD exomes 0.00033; 1000 Genomes Project 30x 0.00390; TOPMed 0.00442.
gnomAD v4.1: 865 of 986,318 alleles (0.088%); highest among the groups gnomAD compares: African/African-American, 1.4%; 6 homozygotes.

Submissions (8):

Women's Health and Genetics/Laboratory Corporation of America, LabCorp
Classification: Benign. Last evaluated: 2026-04-08. Review status: criteria provided, single submitter. Criteria: LabCorp Variant Classification Summary - May 2015. Collection method: clinical testing. Allele origin: germline.
Comment: Variant summary: B3GALT6 c.109G>A (p.Gly37Arg) results in a non-conservative amino acid change in the encoded protein sequence. Algorithms developed to predict the effect of missense changes on protein structure and function are either unavailable or do not agree on the potential impact of this missense change. The variant allele was found at a frequency of 0.00088 in 986318 control chromosomes, predominantly at a frequency of 0.014 within the African or African-American subpopulation in the gnomAD database, including 6 homozygotes. The observed variant frequency within African or African-American control individuals in the gnomAD database exceeds the estimated maximal expected allele frequency for disease-causing variants in B3GALT6. To our knowledge, no occurrence of c.109G>A in individuals affected with B3GALT6-related conditions and no experimental evidence demonstrating its impact on protein function have been reported. ClinVar contains an entry for this variant (Variation ID: 800256). Based on the evidence outlined above, the variant was classified as benign.

Labcorp Genetics (formerly Invitae), Labcorp
Classification: Benign for Ehlers-Danlos syndrome, spondylodysplastic type, 2; Spondyloepimetaphyseal dysplasia with joint laxity. Last evaluated: 2026-01-26. Review status: criteria provided, single submitter. Criteria: Invitae Variant Classification Sherloc (09022015). Collection method: clinical testing. Allele origin: germline.

CeGaT Center for Human Genetics Tuebingen
Classification: Likely benign. Last evaluated: 2025-08-01. Review status: criteria provided, single submitter. Criteria: CeGaT Center For Human Genetics Tuebingen Variant Classification Criteria Version 2. Collection method: clinical testing. Allele origin: germline. Affected: yes. Observed: 1 variant allele.
Comment: B3GALT6: BS1

Blueprint Genetics
Classification: Likely benign. Last evaluated: 2024-11-14. Review status: criteria provided, single submitter. Criteria: ACMG Guidelines, 2015. Collection method: clinical testing. Allele origin: germline.

Mayo Clinic Laboratories, Mayo Clinic
Classification: Benign. Last evaluated: 2023-06-28. Review status: criteria provided, single submitter. Criteria: ACMG Guidelines, 2015. Collection method: clinical testing. Allele origin: germline. Observed: 5 variant alleles.
Comment: BS1, BS2, BP4

Ambry Genetics
Classification: Uncertain significance for Inborn genetic diseases. Last evaluated: 2022-11-15. Review status: criteria provided, single submitter. Criteria: Ambry Variant Classification Scheme 2023. Collection method: clinical testing. Allele origin: germline.

GeneDx
Classification: Benign. Last evaluated: 2019-09-10. Review status: criteria provided, single submitter. Criteria: GeneDx Variant Classification Process June 2021. Collection method: clinical testing. Allele origin: germline. Affected: yes.

Breakthrough Genomics
Classification: Benign. Review status: criteria provided, single submitter. Criteria: ACMG Guidelines, 2015. Collection method: not provided. Allele origin: germline. Inheritance: Autosomal recessive inheritance. Affected: yes.

NM_080605.4(B3GALT6):c.109G>A (p.Gly37Arg)

Gene: B3GALT6 (beta-1,3-galactosyltransferase 6; plus strand). Cytogenetic location: 1p36.33.
Variant type: single nucleotide variant.
Coding change: c.109G>A on transcript NM_080605.4 (MANE Select); coding-DNA position 109, G replaced by A.
Protein change: p.Gly37Arg; replaces glycine 37 with arginine.
Molecular consequence: missense variant.
Genome position (GRCh38, 1-based): chr1:1,232,387, G>A. VCF-style: chr1-1232387-G-A. GRCh37 (hg19) VCF-style: chr1-1167767-G-A.
Other names: p.Gly37Arg; short protein forms G37R.
Identifiers: ClinVar variation 800256 (VCV000800256.25), dbSNP rs867336520, ClinGen allele CA16755086.